The following is an entry in ClinVar:

ClinVar aggregate classification (germline): Benign. Review status: criteria provided, multiple submitters, no conflicts (2 of 4 stars). 3 submissions from 3 submitters: Benign (3). Last evaluated 2026-02-01.

Conditions:
Epidermolysis bullosa simplex 5C, with pyloric atresia (EBS5C). Also called: PLEC-Related Epidermolysis Bullosa with Pyloric Atresia; Epidermolysis bullosa simplex with pyloric atresia; PLEC1-Related Epidermolysis Bullosa with Pyloric Atresia. Identifiers: Orphanet 158684, MedGen C2677349, MONDO:0012807, OMIM 612138.
Autosomal recessive limb-girdle muscular dystrophy type 2Q (LGMDR17). Also called: MUSCULAR DYSTROPHY, LIMB-GIRDLE, AUTOSOMAL RECESSIVE 17. Identifiers: Orphanet 254361, MedGen C3150989, MONDO:0013390, OMIM 613723.
Epidermolysis bullosa simplex 5B, with muscular dystrophy (EBS5B). Also called: Epidermolysis bullosa simplex with muscular dystrophy; EPIDERMOLYSIS BULLOSA SIMPLEX AND LIMB-GIRDLE MUSCULAR DYSTROPHY. Identifiers: Orphanet 257, MedGen C2931072, MONDO:0009181, OMIM 226670.
Epidermolysis bullosa simplex, Ogna type (EBS5A). Also called: Pidermolysis bullosa simplex 5A, Ogna type; EPIDERMOLYSIS BULLOSA SIMPLEX 5A, OGNA TYPE. Identifiers: Orphanet 79401, MedGen C0432317, MONDO:0007555, OMIM 131950.
Epidermolysis bullosa simplex with nail dystrophy (EBS5D). Identifiers: MedGen C4225309, MONDO:0014661, OMIM 616487.

Allele frequency attached by ClinVar (database versions not stated): gnomAD 0.00138 and 0.00194; TOPMed 0.00215; ExAC 0.00451; 1000 Genomes Project 0.00958; 1000 Genomes Project 30x 0.00984.
gnomAD v4.1: 2,447 of 1,594,430 alleles (0.15%); highest among the groups gnomAD compares: East Asian, 4.3%; 40 homozygotes.

Submissions (3):

Labcorp Genetics (formerly Invitae), Labcorp
Classification: Benign for Autosomal recessive limb-girdle muscular dystrophy type 2Q; Epidermolysis bullosa simplex, Ogna type; Epidermolysis bullosa simplex with nail dystrophy; Epidermolysis bullosa simplex 5C, with pyloric atresia; Epidermolysis bullosa simplex 5B, with muscular dystrophy. Last evaluated: 2026-02-01. Review status: criteria provided, single submitter. Criteria: Invitae Variant Classification Sherloc (09022015). Collection method: clinical testing. Allele origin: germline.

Athena Diagnostics
Classification: Benign. Last evaluated: 2024-08-29. Review status: criteria provided, single submitter. Criteria: Athena Diagnostics Criteria. Collection method: clinical testing. Allele origin: unknown.

GeneDx
Classification: Benign. Last evaluated: 2017-06-02. Review status: criteria provided, single submitter. Criteria: GeneDx Variant Classification (06012015). Collection method: clinical testing. Allele origin: germline. Affected: yes.
Comment: This variant is considered likely benign or benign based on one or more of the following criteria: it is a conservative change, it occurs at a poorly conserved position in the protein, it is predicted to be benign by multiple in silico algorithms, and/or has population frequency not consistent with disease.

NM_201384.3(PLEC):c.9408C>T (p.Ala3136=)

Gene: PLEC (plectin; minus strand). Cytogenetic location: 8q24.3.
Variant type: single nucleotide variant.
Coding change: c.9408C>T on transcript NM_201384.3 (MANE Select); coding-DNA position 9408, C replaced by T.
Protein change: p.Ala3136=; no amino-acid change (alanine 3136 retained).
Molecular consequence: synonymous variant.
Genome position (GRCh38, 1-based): chr8:143,920,413, G>A on the plus strand (C>T on the coding strand, the complement: PLEC is on the minus strand). VCF-style: chr8-143920413-G-A. GRCh37 (hg19) VCF-style: chr8-144994581-G-A.
Other names: c.9489C>T, p.Ala3163= (NM_000445.5); c.9366C>T, p.Ala3122= (NM_201378.4); c.9342C>T, p.Ala3114= (NM_201379.3); c.9819C>T, p.Ala3273= (NM_201380.4); c.9312C>T, p.Ala3104= (NM_201381.3); c.9408C>T, p.Ala3136= (NM_201382.4); c.9420C>T, p.Ala3140= (NM_201383.3).
Identifiers: ClinVar variation 516977 (VCV000516977.14), dbSNP rs77006429, ClinGen allele CA4924978.